The following is an entry in ClinVar:

NM_006206.6(PDGFRA):c.143G>C (p.Arg48Thr)

Gene: PDGFRA (platelet derived growth factor receptor alpha; plus strand). Cytogenetic location: 4q12.
Variant type: single nucleotide variant.
Coding change: c.143G>C on transcript NM_006206.6 (MANE Select); coding-DNA position 143, G replaced by C.
Protein change: p.Arg48Thr; replaces arginine 48 with threonine.
Molecular consequence: missense variant.
Genome position (GRCh38, 1-based): chr4:54,261,188, G>C. VCF-style: chr4-54261188-G-C. GRCh37 (hg19) VCF-style: chr4-55127355-G-C.
Other names: c.143G>C, p.Arg48Thr (NM_001347827.2, NM_001347829.2); c.218G>C, p.Arg73Thr (NM_001347828.2); c.182G>C, p.Arg61Thr (NM_001347830.2); short protein forms R73T, R61T, R48T.
Identifiers: ClinVar variation 5026389 (VCV005026389.1).

ClinVar aggregate classification (germline): Uncertain significance (1 of 4 stars; one submission).

Conditions:
Hereditary cancer-predisposing syndrome. Also called: Neoplastic Syndromes, Hereditary; Tumor predisposition; Hereditary neoplastic syndrome; Hereditary Cancer Syndrome. Identifiers: Orphanet 140162, MedGen C0027672, MeSH D009386, MONDO:0015356.

Submission:

Ambry Genetics
Classification: Uncertain significance for Hereditary cancer-predisposing syndrome. Last evaluated: 2026-06-28. Review status: criteria provided, single submitter. Criteria: Ambry Variant Classification Scheme 2023. Collection method: clinical testing. Allele origin: germline.
Comment: The p.R48T variant (also known as c.143G>C), located in coding exon 2 of the PDGFRA gene, results from a G to C substitution at nucleotide position 143. The arginine at codon 48 is replaced by threonine, an amino acid with similar properties. This amino acid position is conserved. In addition, this alteration is predicted to be tolerated by in silico analysis. Based on the available evidence, the clinical significance of this variant remains unclear.